The following is an entry in ClinVar:

NM_002528.7(NTHL1):c.678A>G (p.Ser226=)

Gene: NTHL1 (nth like DNA glycosylase 1; minus strand). Cytogenetic location: 16p13.3.
Variant type: single nucleotide variant.
Coding change: c.678A>G on transcript NM_002528.7 (MANE Select); coding-DNA position 678, A replaced by G.
Protein change: p.Ser226=; no amino-acid change (serine 226 retained).
Molecular consequence: synonymous variant.
Genome position (GRCh38, 1-based): chr16:2,043,574, T>C on the plus strand (A>G on the coding strand, the complement: NTHL1 is on the minus strand). VCF-style: chr16-2043574-T-C. GRCh37 (hg19) VCF-style: chr16-2093575-T-C.
Other names: c.507A>G, p.Ser169= (NM_001318193.2); c.348A>G, p.Ser116= (NM_001318194.2).
Identifiers: ClinVar variation 3067784 (VCV003067784.23), dbSNP rs2150941136, ClinGen allele CA492951644.

ClinVar aggregate classification (germline): Likely benign. Review status: criteria provided, multiple submitters, no conflicts (2 of 4 stars). 2 submissions from 2 submitters: Likely benign (2). Last evaluated 2025-03-11.

Submissions (2):

Labcorp Genetics (formerly Invitae), Labcorp
Classification: Likely benign. Last evaluated: 2025-03-11. Review status: criteria provided, single submitter. Criteria: Invitae Variant Classification Sherloc (09022015). Collection method: clinical testing. Allele origin: germline.

CeGaT Center for Human Genetics Tuebingen
Classification: Likely benign. Last evaluated: 2024-04-01. Review status: criteria provided, single submitter. Criteria: CeGaT Center For Human Genetics Tuebingen Variant Classification Criteria Version 2. Collection method: clinical testing. Allele origin: germline. Affected: yes. Observed: 1 variant allele.
Comment: NTHL1: PM2:Supporting, BP4, BP7